The following is an entry in ClinVar:

NM_182914.3(SYNE2):c.16361A>C (p.Asp5454Ala)

Gene: SYNE2 (spectrin repeat containing nuclear envelope protein 2; plus strand). Cytogenetic location: 14q23.2.
Variant type: single nucleotide variant.
Coding change: c.16361A>C on transcript NM_182914.3 (MANE Select); coding-DNA position 16361, A replaced by C.
Protein change: p.Asp5454Ala; replaces aspartic acid 5454 with alanine.
Molecular consequence: missense variant.
Genome position (GRCh38, 1-based): chr14:64,163,463, A>C. VCF-style: chr14-64163463-A-C. GRCh37 (hg19) VCF-style: chr14-64630181-A-C.
Other names: c.16361A>C, p.Asp5454Ala (NM_015180.6); short protein forms D5454A.
Identifiers: ClinVar variation 3716359 (VCV003716359.2).

ClinVar aggregate classification (germline): Uncertain significance (1 of 4 stars; one submission).

Conditions:
Emery-Dreifuss muscular dystrophy 5, autosomal dominant (EDMD5). Also called: EMERY-DREIFUSS MUSCULAR DYSTROPHY 5. Identifiers: Orphanet 261, MedGen C2751805, MONDO:0013072, OMIM 612999.

gnomAD v4.1: 10 of 1,614,034 alleles (0.00062%); highest among the groups gnomAD compares: Non-Finnish European, 0.00076%; no homozygotes.

Submission:

Labcorp Genetics (formerly Invitae), Labcorp
Classification: Uncertain significance for Emery-Dreifuss muscular dystrophy 5, autosomal dominant. Last evaluated: 2025-06-04. Review status: criteria provided, single submitter. Criteria: Invitae Variant Classification Sherloc (09022015). Collection method: clinical testing. Allele origin: germline.
Comment: This sequence change replaces aspartic acid, which is acidic and polar, with alanine, which is neutral and non-polar, at codon 5454 of the SYNE2 protein (p.Asp5454Ala). This variant is present in population databases (rs774003802, gnomAD 0.002%). This variant has not been reported in the literature in individuals affected with SYNE2-related conditions. ClinVar contains an entry for this variant (Variation ID: 3716359). An algorithm developed to predict the effect of missense changes on protein structure and function (PolyPhen-2) suggests that this variant is likely to be disruptive. In summary, the available evidence is currently insufficient to determine the role of this variant in disease. Therefore, it has been classified as a Variant of Uncertain Significance.